The following is an entry in ClinVar:

ClinVar aggregate classification (germline): Uncertain significance. Review status: criteria provided, multiple submitters, no conflicts (2 of 4 stars). 2 submissions from 2 submitters: Uncertain significance (2). Last evaluated 2025-08-17.

Conditions:
Hereditary cancer-predisposing syndrome. Also called: Tumor predisposition; Neoplastic Syndromes, Hereditary; Hereditary Cancer Syndrome; Hereditary neoplastic syndrome. Identifiers: Orphanet 140162, MedGen C0027672, MeSH D009386, MONDO:0015356.

Submissions (2):

Labcorp Genetics (formerly Invitae), Labcorp
Classification: Uncertain significance. Last evaluated: 2025-08-17. Review status: criteria provided, single submitter. Criteria: Invitae Variant Classification Sherloc (09022015). Collection method: clinical testing. Allele origin: germline.
Comment: This sequence change replaces threonine, which is neutral and polar, with isoleucine, which is neutral and non-polar, at codon 569 of the CTNNA1 protein (p.Thr569Ile). This variant is not present in population databases (gnomAD no frequency). This variant has not been reported in the literature in individuals affected with CTNNA1-related conditions. ClinVar contains an entry for this variant (Variation ID: 1380890). Invitae Evidence Modeling of protein sequence and biophysical properties (such as structural, functional, and spatial information, amino acid conservation, physicochemical variation, residue mobility, and thermodynamic stability) has been performed for this missense variant. However, the output from this modeling did not meet the statistical confidence thresholds required to predict the impact of this variant on CTNNA1 protein function. In summary, the available evidence is currently insufficient to determine the role of this variant in disease. Therefore, it has been classified as a Variant of Uncertain Significance.

Ambry Genetics
Classification: Uncertain significance for Hereditary cancer-predisposing syndrome. Last evaluated: 2024-01-23. Review status: criteria provided, single submitter. Criteria: Ambry Variant Classification Scheme 2023. Collection method: clinical testing. Allele origin: germline.
Comment: The p.T569I variant (also known as c.1706C>T), located in coding exon 11 of the CTNNA1 gene, results from a C to T substitution at nucleotide position 1706. The threonine at codon 569 is replaced by isoleucine, an amino acid with similar properties. This amino acid position is highly conserved in available vertebrate species. In addition, the in silico prediction for this alteration is inconclusive. The evidence for this gene-disease relationship is limited; therefore, the clinical significance of this alteration is unclear.

NM_001903.5(CTNNA1):c.1706C>T (p.Thr569Ile)

Gene: CTNNA1 (catenin alpha 1; plus strand). Cytogenetic location: 5q31.2.
Variant type: single nucleotide variant.
Coding change: c.1706C>T on transcript NM_001903.5 (MANE Select); coding-DNA position 1706, C replaced by T.
Protein change: p.Thr569Ile; replaces threonine 569 with isoleucine.
Molecular consequence: missense variant.
Genome position (GRCh38, 1-based): chr5:138,924,669, C>T. VCF-style: chr5-138924669-C-T. GRCh37 (hg19) VCF-style: chr5-138260358-C-T.
Other names: c.1706C>T, p.Thr569Ile (NM_001290307.3, NM_001323982.2, NM_001323983.1 and 2 more transcripts); c.1397C>T, p.Thr466Ile (NM_001290309.3); c.1337C>T, p.Thr446Ile (NM_001290310.3); c.596C>T, p.Thr199Ile (NM_001290312.1, NM_001323987.1, NM_001323988.1 and 17 more transcripts); c.1613C>T, p.Thr538Ile (NM_001323986.2); c.257C>T, p.Thr86Ile (NM_001324006.1, NM_001324007.1, NM_001324008.1 and 2 more transcripts); c.503C>T, p.Thr168Ile (NM_001324011.1); c.353C>T, p.Thr118Ile (NM_001324012.1, NM_001324013.1); and 1 more; short protein forms T118I, T569I, T199I, T446I, T86I, T538I, T168I, T466I.
Identifiers: ClinVar variation 1380890 (VCV001380890.7), dbSNP rs2150289621, ClinGen allele CA361132018.